The following is an entry in ClinVar:

ClinVar aggregate classification (germline): Uncertain significance (1 of 4 stars; one submission).

Conditions:
Gastrointestinal stromal tumor. Also called: Gastrointestinal stroma tumor; Gastrointestinal stromal tumor, somatic. Identifiers: Orphanet 44890, MedGen C0238198, MeSH D046152, MONDO:0011719, OMIM 606764, HP:0100723.

Allele frequency attached by ClinVar (database versions not stated): ExAC 0.00001.

Submission:

Labcorp Genetics (formerly Invitae), Labcorp
Classification: Uncertain significance for Gastrointestinal stromal tumor. Last evaluated: 2022-02-28. Review status: criteria provided, single submitter. Criteria: Invitae Variant Classification Sherloc (09022015). Collection method: clinical testing. Allele origin: germline.
Comment: This sequence change replaces aspartic acid, which is acidic and polar, with histidine, which is basic and polar, at codon 215 of the PDGFRA protein (p.Asp215His). This variant is present in population databases (rs749903216, gnomAD 0.0009%). This variant has not been reported in the literature in individuals affected with PDGFRA-related conditions. Algorithms developed to predict the effect of missense changes on protein structure and function (SIFT, PolyPhen-2, Align-GVGD) all suggest that this variant is likely to be tolerated. In summary, the available evidence is currently insufficient to determine the role of this variant in disease. Therefore, it has been classified as a Variant of Uncertain Significance.

NM_006206.6(PDGFRA):c.643G>C (p.Asp215His)

Gene: PDGFRA (platelet derived growth factor receptor alpha; plus strand). Cytogenetic location: 4q12.
Variant type: single nucleotide variant.
Coding change: c.643G>C on transcript NM_006206.6 (MANE Select); coding-DNA position 643, G replaced by C.
Protein change: p.Asp215His; replaces aspartic acid 215 with histidine.
Molecular consequence: missense variant.
Genome position (GRCh38, 1-based): chr4:54,264,933, G>C. VCF-style: chr4-54264933-G-C. GRCh37 (hg19) VCF-style: chr4-55131100-G-C.
Other names: c.643G>C, p.Asp215His (NM_001347827.2, NM_001347829.2); c.718G>C, p.Asp240His (NM_001347828.2); c.682G>C, p.Asp228His (NM_001347830.2); short protein forms D215H, D228H, D240H.
Identifiers: ClinVar variation 2104452 (VCV002104452.4), dbSNP rs749903216, ClinGen allele CA2922349.